The following is an entry in ClinVar:

ClinVar aggregate classification (germline): Uncertain significance (1 of 4 stars; one submission).

Allele frequency attached by ClinVar (database versions not stated): gnomAD exomes below 0.00001.
gnomAD v4.1: 4 of 1,604,252 alleles (0.00025%); highest among the groups gnomAD compares: South Asian, 0.0011%; no homozygotes.

Submission:

Ambry Genetics
Classification: Uncertain significance. Last evaluated: 2024-03-09. Review status: criteria provided, single submitter. Criteria: Ambry Variant Classification Scheme 2023. Collection method: clinical testing. Allele origin: germline.
Comment: The p.T1662S variant (also known as c.4985C>G), located in coding exon 16 of the POLQ gene, results from a C to G substitution at nucleotide position 4985. The threonine at codon 1662 is replaced by serine, an amino acid with similar properties. This amino acid position is conserved. In addition, this alteration is predicted to be tolerated by in silico analysis. Based on the available evidence, the clinical significance of this alteration remains unclear.

NM_199420.4(POLQ):c.4985C>G (p.Thr1662Ser)

Gene: POLQ (DNA polymerase theta; minus strand). Cytogenetic location: 3q13.33.
Variant type: single nucleotide variant.
Coding change: c.4985C>G on transcript NM_199420.4 (MANE Select); coding-DNA position 4985, C replaced by G.
Protein change: p.Thr1662Ser; replaces threonine 1662 with serine.
Molecular consequence: missense variant.
Genome position (GRCh38, 1-based): chr3:121,487,946, G>C on the plus strand (C>G on the coding strand, the complement: POLQ is on the minus strand). VCF-style: chr3-121487946-G-C. GRCh37 (hg19) VCF-style: chr3-121206793-G-C.
Other names: short protein forms T1662S.
Identifiers: ClinVar variation 3230029 (VCV003230029.1), dbSNP rs2546785284, ClinGen allele CA354092709.
Genomic context (GRCh38, chr3:121,487,946, plus strand): 5'-ATAACTTCTTGTTCTTCATTTAACTCTGTATTTTTTCTATTCAAACTGGAAAAGTTTATA[G>C]TCATTGATTTTAGCTTTTCATTTTCTAGAGGACTGGATACTTTATCTAAAATCCTTTGCA-3'
Protein context (NP_955452.3, residues 1652-1672): PLENEKLKSM[Thr1662Ser]INFSSLNRKN